The following is an entry in ClinVar:

NM_000482.4(APOA4):c.931G>C (p.Gly311Arg)

Gene: APOA4 (apolipoprotein A4; minus strand). Cytogenetic location: 11q23.3.
Variant type: single nucleotide variant.
Coding change: c.931G>C on transcript NM_000482.4 (MANE Select); coding-DNA position 931, G replaced by C.
Protein change: p.Gly311Arg; replaces glycine 311 with arginine.
Molecular consequence: missense variant.
Genome position (GRCh38, 1-based): chr11:116,821,127, C>G on the plus strand (G>C on the coding strand, the complement: APOA4 is on the minus strand). VCF-style: chr11-116821127-C-G. GRCh37 (hg19) VCF-style: chr11-116691843-C-G.
Other names: short protein forms G311R.
Identifiers: ClinVar variation 1515243 (VCV001515243.8), dbSNP rs377752186, ClinGen allele CA382699800.

ClinVar aggregate classification (germline): Uncertain significance (1 of 4 stars; one submission).

Submission:

Labcorp Genetics (formerly Invitae), Labcorp
Classification: Uncertain significance. Last evaluated: 2021-03-09. Review status: criteria provided, single submitter. Criteria: Invitae Variant Classification Sherloc (09022015). Collection method: clinical testing. Allele origin: germline.
Comment: This sequence change replaces glycine with arginine at codon 311 of the APOA4 protein (p.Gly311Arg). The glycine residue is highly conserved and there is a moderate physicochemical difference between glycine and arginine. This variant is not present in population databases (ExAC no frequency). This variant has not been reported in the literature in individuals with APOA4-related conditions. Algorithms developed to predict the effect of missense changes on protein structure and function (SIFT, PolyPhen-2, Align-GVGD) all suggest that this variant is likely to be disruptive, but these predictions have not been confirmed by published functional studies and their clinical significance is uncertain. In summary, the available evidence is currently insufficient to determine the role of this variant in disease. Therefore, it has been classified as a Variant of Uncertain Significance.